The following is an entry in ClinVar:

NM_001159773.2(CANT1):c.*157G>A

Gene: CANT1 (calcium activated nucleotidase 1; minus strand). Cytogenetic location: 17q25.3.
Variant type: single nucleotide variant.
Coding change: c.*157G>A on transcript NM_001159773.2 (MANE Select); 157 bases downstream of the stop codon, G replaced by A.
Molecular consequence: 3 prime UTR variant.
Genome position (GRCh38, 1-based): chr17:78,993,393, C>T on the plus strand (G>A on the coding strand, the complement: CANT1 is on the minus strand). VCF-style: chr17-78993393-C-T. GRCh37 (hg19) VCF-style: chr17-76989475-C-T.
Other names: c.*157G>A (NM_001159772.2, NM_138793.4).
Identifiers: ClinVar variation 889535 (VCV000889535.4), dbSNP rs117904862, ClinGen allele CA294809648.

ClinVar aggregate classification (germline): Likely benign (1 of 4 stars; one submission).

Conditions:
Desbuquois dysplasia 1 (DBQD1). Also called: MICROMELIC DWARFISM WITH VERTEBRAL AND METAPHYSEAL ABNORMALITIES AND ADVANCED CARPOTARSAL OSSIFICATION; DESBUQUOIS DYSPLASIA 1, KIM VARIANT. Identifiers: Orphanet 1425, MedGen C4012146, MONDO:0009629, OMIM 251450.

Allele frequency attached by ClinVar (database versions not stated): 1000 Genomes Project 0.00100; 1000 Genomes Project 30x 0.00109; gnomAD 0.00109 and 0.00122; TOPMed 0.00111; gnomAD exomes 0.00150.
gnomAD v4.1: 1,547 of 1,068,774 alleles (0.14%); highest among the groups gnomAD compares: Non-Finnish European, 0.2%; 2 homozygotes.

Submission:

Illumina Laboratory Services, Illumina
Classification: Likely benign for Desbuquois dysplasia 1. Last evaluated: 2018-01-13. Review status: criteria provided, single submitter. Criteria: ICSL Variant Classification Criteria 13 December 2019. Collection method: clinical testing. Allele origin: germline.
Comment: This variant was observed in the ICSL laboratory as part of a predisposition screen in an ostensibly healthy population. It had not been previously curated by ICSL or reported in the Human Gene Mutation Database (HGMD: prior to June 1st, 2018), and was therefore a candidate for classification through an automated scoring system. Utilizing variant allele frequency, disease prevalence and penetrance estimates, and inheritance mode, an automated score was calculated to assess if this variant is too frequent to cause the disease. Based on the score and internal cut-off values, a variant classified as likely benign is not then subjected to further curation. The score for this variant resulted in a classification of likely benign for this disease.